The following is an entry in ClinVar:

ClinVar aggregate classification (germline): Uncertain significance (1 of 4 stars; one submission).

Conditions:
Aortic valve disease 2 (AOVD2). Identifiers: MedGen C3542024, MONDO:0013902, OMIM 614823.

Submission:

Labcorp Genetics (formerly Invitae), Labcorp
Classification: Uncertain significance for Aortic valve disease 2. Last evaluated: 2025-10-01. Review status: criteria provided, single submitter. Criteria: Invitae Variant Classification Sherloc (09022015). Collection method: clinical testing. Allele origin: germline.
Comment: This sequence change replaces leucine, which is neutral and non-polar, with proline, which is neutral and non-polar, at codon 105 of the SMAD6 protein (p.Leu105Pro). This variant is not present in population databases (gnomAD no frequency). This variant has not been reported in the literature in individuals affected with SMAD6-related conditions. An algorithm developed to predict the effect of missense changes on protein structure and function (PolyPhen-2) suggests that this variant is likely to be tolerated. In summary, the available evidence is currently insufficient to determine the role of this variant in disease. Therefore, it has been classified as a Variant of Uncertain Significance.

NM_005585.5(SMAD6):c.314T>C (p.Leu105Pro)

Gene: SMAD6 (SMAD family member 6; plus strand). Cytogenetic location: 15q22.31.
Variant type: single nucleotide variant.
Coding change: c.314T>C on transcript NM_005585.5 (MANE Select); coding-DNA position 314, T replaced by C.
Protein change: p.Leu105Pro; replaces leucine 105 with proline.
Molecular consequence: missense variant. On other transcripts: non-coding transcript variant (1).
Genome position (GRCh38, 1-based): chr15:66,703,572, T>C. VCF-style: chr15-66703572-T-C. GRCh37 (hg19) VCF-style: chr15-66995910-T-C.
Other names: short protein forms L105P.
Identifiers: ClinVar variation 4809570 (VCV004809570.1).